The following is an entry in ClinVar:

ClinVar aggregate classification (germline): Uncertain significance (1 of 4 stars; one submission).

Conditions:
CACNA1A-related disorder. Also called: CACNA1A-related condition.

gnomAD v4.1: 2 of 1,581,158 alleles (0.00013%); highest among the groups gnomAD compares: African/African-American, 0.0014%; no homozygotes.

Submission:

Illumina Laboratory Services, Illumina
Classification: Uncertain significance for CACNA1A-related disorders. Last evaluated: 2021-05-11. Review status: criteria provided, single submitter. Criteria: ICSLVariantClassificationCriteria RUGD 01 April 2020. Collection method: clinical testing. Allele origin: unknown.
Comment: The CACNA1A c.2799C>A (p.His933Gln) variant is a missense variant. A literature search was performed for the gene, cDNA change, and amino acid change. No publications were found based on this search. The p.His933Gln variant is reported at a frequency of 0.000096 in the African/African American population from the Genome Aggregation Database (version 2.1.1), though this is based on one allele only in a region of good sequence coverage so the variant is presumed to be rare. Based on the limited evidence, the p.His933Gln variant is classified as a variant of uncertain significance for CACNA1A-related disorders.

NM_001127222.2(CACNA1A):c.2796C>A (p.His932Gln)

Gene: CACNA1A (calcium voltage-gated channel subunit alpha1 A; minus strand). Cytogenetic location: 19p13.13.
Variant type: single nucleotide variant.
Coding change: c.2796C>A on transcript NM_001127222.2 (MANE Select); coding-DNA position 2796, C replaced by A.
Protein change: p.His932Gln; replaces histidine 932 with glutamine.
Molecular consequence: missense variant.
Genome position (GRCh38, 1-based): chr19:13,298,837, G>T on the plus strand (C>A on the coding strand, the complement: CACNA1A is on the minus strand). VCF-style: chr19-13298837-G-T. GRCh37 (hg19) VCF-style: chr19-13409651-G-T.
Other names: c.2808C>A, p.His936Gln (NM_000068.4, NM_023035.3); c.2799C>A, p.His933Gln (NM_001127221.2, NM_001174080.2); short protein forms H932Q, H933Q, H936Q.
Identifiers: ClinVar variation 1328534 (VCV001328534.4), dbSNP rs772941423, ClinGen allele CA9240477.
Genomic context (GRCh38, chr19:13,298,837, plus strand): 5'-GTCCGCGCCCGTGCGCGGGGACCCGCTGCGGCTCTCCCTGCTGCCCCCCTGCCGGTGCAC[G>T]TGCCTCCGGTGGGGGTCCCCGGCCTTGCCTCGCTCGGCCTCGCCCTCCCAGAACCCGGGT-3'
Protein context (NP_001120694.1, residues 922-942): RGKAGDPHRR[His932Gln]VHRQGGSRES